The following is an entry in ClinVar:

ClinVar aggregate classification (germline): Uncertain significance (0 of 4 stars; one submission).

Conditions:
KDM2B-related disorder. Also called: KDM2B-related condition.

Allele frequency attached by ClinVar (database versions not stated): TOPMed below 0.00001.

Submission:

PreventionGenetics, part of Exact Sciences
Classification: Uncertain significance for KDM2B-related condition. Last evaluated: 2024-04-08. Review status: no assertion criteria provided. Collection method: clinical testing. Allele origin: germline.
Comment: The KDM2B c.3793G>A variant is predicted to result in the amino acid substitution p.Glu1265Lys. To our knowledge, this variant has not been reported in the literature or in a large population database, indicating this variant is rare. At this time, the clinical significance of this variant is uncertain due to the absence of conclusive functional and genetic evidence.

NM_032590.5(KDM2B):c.*167G>A

Gene: KDM2B (lysine demethylase 2B; minus strand). Cytogenetic location: 12q24.31.
Variant type: single nucleotide variant.
Coding change: c.*167G>A on transcript NM_032590.5 (MANE Select); 167 bases downstream of the stop codon, G replaced by A.
Molecular consequence: 3 prime UTR variant. On other transcripts: missense variant (1).
Genome position (GRCh38, 1-based): chr12:121,430,121, C>T on the plus strand (G>A on the coding strand, the complement: KDM2B is on the minus strand). VCF-style: chr12-121430121-C-T. GRCh37 (hg19) VCF-style: chr12-121867924-C-T.
Other names: c.3793G>A, p.Glu1265Lys (NM_001005366.2); short protein forms E1265K.
Identifiers: ClinVar variation 2630233 (VCV002630233.2), dbSNP rs1872765915, ClinGen allele CA386967415.